The following is an entry in ClinVar:

NM_001375524.1(TRRAP):c.6321C>A (p.Phe2107Leu)

Gene: TRRAP (transformation/transcription domain associated protein; plus strand). Cytogenetic location: 7q22.1.
Variant type: single nucleotide variant.
Coding change: c.6321C>A on transcript NM_001375524.1 (MANE Select); coding-DNA position 6321, C replaced by A.
Protein change: p.Phe2107Leu; replaces phenylalanine 2107 with leucine.
Molecular consequence: missense variant.
Genome position (GRCh38, 1-based): chr7:98,958,070, C>A. VCF-style: chr7-98958070-C-A. GRCh37 (hg19) VCF-style: chr7-98555693-C-A.
Other names: c.6300C>A, p.Phe2100Leu (NM_001244580.2); c.6246C>A, p.Phe2082Leu (NM_003496.4); short protein forms F2082L, F2100L, F2107L.
Identifiers: ClinVar variation 4975912 (VCV004975912.1).
Genomic context (GRCh38, chr7:98,958,070, plus strand): 5'-AGCAGACTCTCTCCTCGCCAAGCCCATTGACAAGCAGCACACAGACACTGTGGTGAACTT[C>A]CTTATCCGCGTGGCCTGTCAGGTACGGGATCCAAGTGCCCTGCGTTAGGGCTTCTGCAGA-3'
Protein context (NP_001362453.1, residues 2097-2117): DKQHTDTVVN[Phe2107Leu]LIRVACQVND

ClinVar aggregate classification (germline): Uncertain significance (1 of 4 stars; one submission).

Submission:

GeneDx
Classification: Uncertain significance. Last evaluated: 2026-02-03. Review status: criteria provided, single submitter. Criteria: GeneDx Variant Classification Process June 2021. Collection method: clinical testing. Allele origin: germline.
Comment: Not observed at significant frequency in large population cohorts (gnomAD); In silico analysis supports that this missense variant has a deleterious effect on protein structure/function; Has not been previously published as pathogenic or benign to our knowledge